The following is an entry in ClinVar:

ClinVar aggregate classification (germline): Uncertain significance (1 of 4 stars; one submission).

gnomAD v4.1: 1 of 1,613,910 alleles (0.000062%); highest among the groups gnomAD compares: Non-Finnish European, 0.000085%; no homozygotes.

Submission:

GeneDx
Classification: Uncertain significance. Last evaluated: 2025-04-02. Review status: criteria provided, single submitter. Criteria: GeneDx Variant Classification Process June 2021. Collection method: clinical testing. Allele origin: germline. Affected: yes.
Comment: Not observed at significant frequency in large population cohorts (gnomAD); In silico analysis supports that this missense variant has a deleterious effect on protein structure/function; Has not been previously published as pathogenic or benign to our knowledge

NM_001366145.2(TRPM3):c.1487T>C (p.Leu496Pro)

Gene: TRPM3 (transient receptor potential cation channel subfamily M member 3; minus strand). Cytogenetic location: 9q21.12.
Variant type: single nucleotide variant.
Coding change: c.1487T>C on transcript NM_001366145.2 (MANE Select); coding-DNA position 1487, T replaced by C.
Protein change: p.Leu496Pro; replaces leucine 496 with proline.
Molecular consequence: missense variant.
Genome position (GRCh38, 1-based): chr9:70,639,154, A>G on the plus strand (T>C on the coding strand, the complement: TRPM3 is on the minus strand). VCF-style: chr9-70639154-A-G. GRCh37 (hg19) VCF-style: chr9-73254070-A-G.
Other names: c.1487T>C, p.Leu496Pro (NM_001007471.4, NM_001366146.2, NM_001366149.2 and 2 more transcripts); c.1493T>C, p.Leu498Pro (NM_001366141.2, NM_001366142.2, NM_001366143.2); c.1562T>C, p.Leu521Pro (NM_001366147.2, NM_001366148.2, NM_001366152.2); c.1028T>C, p.Leu343Pro (NM_001366154.2, NM_020952.6, NM_024971.7 and 2 more transcripts); c.1103T>C, p.Leu368Pro (NM_206946.5, NM_206947.5); short protein forms L343P, L368P, L496P, L498P, L521P.
Identifiers: ClinVar variation 4281698 (VCV004281698.1).